The following is an entry in ClinVar:

NM_000393.5(COL5A2):c.3758A>C (p.Glu1253Ala)

Gene: COL5A2 (collagen type V alpha 2 chain; minus strand). Cytogenetic location: 2q32.2.
Variant type: single nucleotide variant.
Coding change: c.3758A>C on transcript NM_000393.5 (MANE Select); coding-DNA position 3758, A replaced by C.
Protein change: p.Glu1253Ala; replaces glutamic acid 1253 with alanine.
Molecular consequence: missense variant.
Genome position (GRCh38, 1-based): chr2:189,039,439, T>G on the plus strand (A>C on the coding strand, the complement: COL5A2 is on the minus strand). VCF-style: chr2-189039439-T-G. GRCh37 (hg19) VCF-style: chr2-189904165-T-G.
Other names: short protein forms E1253A.
Identifiers: ClinVar variation 4085448 (VCV004085448.8).

ClinVar aggregate classification (germline): Uncertain significance (1 of 4 stars; one submission).

gnomAD v4.1: 1 of 1,614,004 alleles (0.000062%); highest among the groups gnomAD compares: Non-Finnish European, 0.000085%; no homozygotes.

Submission:

CeGaT Center for Human Genetics Tuebingen
Classification: Uncertain significance. Last evaluated: 2025-07-01. Review status: criteria provided, single submitter. Criteria: CeGaT Center For Human Genetics Tuebingen Variant Classification Criteria Version 2. Collection method: clinical testing. Allele origin: germline. Affected: yes. Observed: 1 variant allele.
Comment: COL5A2: PM2, PP2